The following is an entry in ClinVar:

NM_032043.3(BRIP1):c.1936-12T>C

Gene: BRIP1 (BRCA1 interacting DNA helicase 1; minus strand). Cytogenetic location: 17q23.2.
Variant type: single nucleotide variant.
Coding change: c.1936-12T>C on transcript NM_032043.3 (MANE Select); 12 bases into the intron before coding-DNA position 1936, T replaced by C.
Molecular consequence: intron variant.
Genome position (GRCh38, 1-based): chr17:61,776,574, A>G on the plus strand (T>C on the coding strand, the complement: BRIP1 is on the minus strand). VCF-style: chr17-61776574-A-G. GRCh37 (hg19) VCF-style: chr17-59853935-A-G.
Identifiers: ClinVar variation 2020387 (VCV002020387.5), dbSNP rs2544999953, ClinGen allele CA2580094479.

ClinVar aggregate classification (germline): Likely benign. Review status: criteria provided, multiple submitters, no conflicts (2 of 4 stars). 2 submissions from 2 submitters: Likely benign (2). Last evaluated 2024-08-30.

Conditions:
Familial cancer of breast. Also called: BREAST CANCER, FAMILIAL; hereditary breast carcinoma; Hereditary breast cancer. Identifiers: Orphanet 227535, MedGen C0346153, MONDO:0016419, OMIM 114480. Disease mechanism: loss of function.
Fanconi anemia complementation group J. Also called: BRIP1-Related Fanconi Anemia. Identifiers: Orphanet 84, MedGen C1836860, MONDO:0012187, OMIM 609054.

Allele frequency attached by ClinVar (database versions not stated): gnomAD exomes below 0.00001.
gnomAD v4.1: 3 of 1,613,246 alleles (0.00019%); highest among the groups gnomAD compares: Non-Finnish European, 0.00025%; no homozygotes.

Submissions (2):

Myriad Genetics, Inc.
Classification: Likely benign for Familial cancer of breast. Last evaluated: 2024-08-30. Review status: criteria provided, single submitter. Criteria: Myriad Autosomal Dominant, Autosomal Recessive and X-Linked Classification Criteria (2023). Collection method: clinical testing. Allele origin: unknown.
Comment: This variant is considered likely benign. This variant is intronic and is not expected to impact mRNA splicing.

Labcorp Genetics (formerly Invitae), Labcorp
Classification: Likely benign for Familial cancer of breast; Fanconi anemia complementation group J. Last evaluated: 2022-07-29. Review status: criteria provided, single submitter. Criteria: Invitae Variant Classification Sherloc (09022015). Collection method: clinical testing. Allele origin: germline.